The following is an entry in ClinVar:

ClinVar aggregate classification (germline): Pathogenic (1 of 4 stars; one submission).

Allele frequency attached by ClinVar (database versions not stated): TOPMed below 0.00001; gnomAD 0.00001.

Submission:

Labcorp Genetics (formerly Invitae), Labcorp
Classification: Pathogenic. Last evaluated: 2021-07-08. Review status: criteria provided, single submitter. Criteria: Invitae Variant Classification Sherloc (09022015). Collection method: clinical testing. Allele origin: germline.
Comment: This sequence change creates a premature translational stop signal (p.Trp236Glyfs*18) in the CYB5R3 gene. While this is not anticipated to result in nonsense mediated decay, it is expected to disrupt the last 66 amino acid(s) of the CYB5R3 protein. This variant is not present in population databases (ExAC no frequency). This variant has not been reported in the literature in individuals affected with CYB5R3-related conditions. This variant disrupts a region of the CYB5R3 protein in which other variant(s) (p.Val253Met) have been determined to be pathogenic (PMID: 11159544, 16310381). This suggests that this is a clinically significant region of the protein, and that variants that disrupt it are likely to be disease-causing. For these reasons, this variant has been classified as Pathogenic.

Literature cited by the submitters: PubMed 11159544; PubMed 16310381.

NM_000398.7(CYB5R3):c.706del (p.Trp236fs)

Gene: CYB5R3 (cytochrome b5 reductase 3; minus strand). Cytogenetic location: 22q13.2.
Variant type: Deletion.
Coding change: c.706del on transcript NM_000398.7 (MANE Select); coding-DNA position 706, one base deleted (T; older notation c.706delT).
Protein change: p.Trp236fs; shifts the reading frame from tryptophan 236.
Molecular consequence: frameshift variant.
Genome position (GRCh38, 1-based): chr22:42,623,816, A deleted on the plus strand (T on the coding strand, the reverse complement: CYB5R3 is on the minus strand). VCF-style (leftmost placement, unchanged base first): chr22-42623815-CA-C. GRCh37 (hg19) VCF-style: chr22-43019821-CA-C.
Other names: c.637del, p.Trp213fs (NM_001129819.2, NM_001171661.1, NM_007326.4); c.805del, p.Trp269fs (NM_001171660.2); short protein forms W236fs, W269fs, W213fs.
Identifiers: ClinVar variation 1458058 (VCV001458058.6), dbSNP rs1928115765, ClinGen allele CA1025970527.